The following is an entry in ClinVar:

ClinVar aggregate classification (germline): Uncertain significance. Review status: criteria provided, multiple submitters, no conflicts (2 of 4 stars). 2 submissions from 2 submitters: Uncertain significance (2). Last evaluated 2022-11-30.

Conditions:
Hereditary cancer-predisposing syndrome. Also called: Hereditary neoplastic syndrome; Tumor predisposition; Neoplastic Syndromes, Hereditary; Hereditary Cancer Syndrome. Identifiers: Orphanet 140162, MedGen C0027672, MeSH D009386, MONDO:0015356.

Allele frequency attached by ClinVar (database versions not stated): gnomAD exomes below 0.00001.

Submissions (2):

Ambry Genetics
Classification: Uncertain significance for Hereditary cancer-predisposing syndrome. Last evaluated: 2022-11-30. Review status: criteria provided, single submitter. Criteria: Ambry Variant Classification Scheme 2023. Collection method: clinical testing. Allele origin: germline.
Comment: The p.H2013P variant (also known as c.6038A>C), located in coding exon 15 of the APC gene, results from an A to C substitution at nucleotide position 6038. The histidine at codon 2013 is replaced by proline, an amino acid with similar properties. This amino acid position is conserved. In addition, in silico predictors for this gene do not accurately predict pathogenicity. Since supporting evidence is limited at this time, the clinical significance of this alteration remains unclear.

GeneDx
Classification: Uncertain significance. Last evaluated: 2016-05-05. Review status: criteria provided, single submitter. Criteria: GeneDx Variant Classification (06012015). Collection method: clinical testing. Allele origin: germline. Affected: yes.
Comment: This variant is denoted APC c.6038A>C at the cDNA level, p.His2013Pro (H2013P) at the protein level, and results in the change of a Histidine to a Proline (CAT>CCT). This variant has not, to our knowledge, been published in the literature as pathogenic or benign. APC His2013Pro was not observed in approximately 6,500 individuals of European and African American ancestry in the NHLBI Exome Sequencing Project, suggesting it is not a common benign variant in these populations. Since Histidine and Proline differ in polarity, charge, size or other properties, this is considered a non-conservative amino acid substitution. APC His2013Pro occurs at a position that is conserved across species and is located within the Serine-rich region, the 20-amino acid repeat B-catenin down-regulating domain, and the SAMP repeats/axin binding domain (Azzopardi 2008, UniProt). In silico analyses predict that this variant is probably damaging to protein structure and function. Based on currently available evidence, it is unclear whether APC His2013Pro is a pathogenic or benign variant. We consider it to be a variant of uncertain significance.

NM_000038.6(APC):c.6038A>C (p.His2013Pro)

Gene: APC (APC regulator of Wnt signaling pathway; plus strand). Cytogenetic location: 5q22.2.
Variant type: single nucleotide variant.
Coding change: c.6038A>C on transcript NM_000038.6 (MANE Select); coding-DNA position 6038, A replaced by C.
Protein change: p.His2013Pro; replaces histidine 2013 with proline.
Molecular consequence: missense variant.
Genome position (GRCh38, 1-based): chr5:112,841,632, A>C. VCF-style: chr5-112841632-A-C. GRCh37 (hg19) VCF-style: chr5-112177329-A-C.
Other names: c.6038A>C, p.His2013Pro (NM_001127510.3, NM_001354895.2); c.5984A>C, p.His1995Pro (NM_001127511.3); c.6092A>C, p.His2031Pro (NM_001354896.2); c.6068A>C, p.His2023Pro (NM_001354897.2); c.5963A>C, p.His1988Pro (NM_001354898.2); c.5954A>C, p.His1985Pro (NM_001354899.2); c.5915A>C, p.His1972Pro (NM_001354900.2); c.5861A>C, p.His1954Pro (NM_001354901.2); and 5 more; short protein forms H1995P, H2013P, H1887P, H1954P, H1972P, H1730P, H1853P, H1912P.
Identifiers: ClinVar variation 421107 (VCV000421107.4), dbSNP rs1064794914, ClinGen allele CA16034542.